The following is an entry in ClinVar:

ClinVar aggregate classification (germline): Uncertain significance (1 of 4 stars; one submission).

Conditions:
Inborn genetic diseases. Identifiers: MedGen C0950123, MeSH D030342.

gnomAD v4.1: 1 of 1,612,540 alleles (0.000062%); highest among the groups gnomAD compares: Non-Finnish European, 0.000085%; no homozygotes.

Submission:

Ambry Genetics
Classification: Uncertain significance for Inborn genetic diseases. Last evaluated: 2023-12-05. Review status: criteria provided, single submitter. Criteria: Ambry Variant Classification Scheme 2023. Collection method: clinical testing. Allele origin: germline.
Comment: The p.S753R variant (also known as c.2259C>A), located in coding exon 19 of the LRRK2 gene, results from a C to A substitution at nucleotide position 2259. The serine at codon 753 is replaced by arginine, an amino acid with dissimilar properties. This amino acid position is conserved. In addition, this alteration is predicted to be tolerated by in silico analysis. Since supporting evidence is limited at this time, the clinical significance of this alteration remains unclear.

NM_198578.4(LRRK2):c.2259C>A (p.Ser753Arg)

Gene: LRRK2 (leucine rich repeat kinase 2; plus strand). Cytogenetic location: 12q12.
Variant type: single nucleotide variant.
Coding change: c.2259C>A on transcript NM_198578.4 (MANE Select); coding-DNA position 2259, C replaced by A.
Protein change: p.Ser753Arg; replaces serine 753 with arginine.
Molecular consequence: missense variant.
Genome position (GRCh38, 1-based): chr12:40,283,892, C>A. VCF-style: chr12-40283892-C-A. GRCh37 (hg19) VCF-style: chr12-40677694-C-A.
Other names: short protein forms S753R.
Identifiers: ClinVar variation 3229547 (VCV003229547.1), dbSNP rs2499663823, ClinGen allele CA384406338.
Genomic context (GRCh38, chr12:40,283,892, plus strand): 5'-AAAATGTAGATTTTTAATATACTTAATTTTTTTTCTTTAATAGGTATGTGAGAAAGAGAG[C>A]AGTCCCAAATTGGTGGAACTCTTACTGAATAGTGGATCTCGTGAACAAGATGTACGAAAA-3'
Protein context (NP_940980.4, residues 743-763): SLICQVCEKE[Ser753Arg]SPKLVELLLN